The following is an entry in ClinVar:

ClinVar aggregate classification (germline): Uncertain significance (1 of 4 stars; one submission).

Conditions:
Frontotemporal dementia and/or amyotrophic lateral sclerosis 4. Also called: FTDALS4. Identifiers: Orphanet 275872, MedGen C4225325, MONDO:0014641, OMIM 616439.

Submission:

Labcorp Genetics (formerly Invitae), Labcorp
Classification: Uncertain significance for Frontotemporal dementia and/or amyotrophic lateral sclerosis 4. Last evaluated: 2024-08-06. Review status: criteria provided, single submitter. Criteria: Invitae Variant Classification Sherloc (09022015). Collection method: clinical testing. Allele origin: germline.
Comment: This sequence change replaces aspartic acid, which is acidic and polar, with histidine, which is basic and polar, at codon 407 of the TBK1 protein (p.Asp407His). This variant is not present in population databases (gnomAD no frequency). This variant has not been reported in the literature in individuals affected with TBK1-related conditions. ClinVar contains an entry for this variant (Variation ID: 2032282). Advanced modeling of protein sequence and biophysical properties (such as structural, functional, and spatial information, amino acid conservation, physicochemical variation, residue mobility, and thermodynamic stability) performed at Invitae indicates that this missense variant is not expected to disrupt TBK1 protein function with a negative predictive value of 95%. In summary, the available evidence is currently insufficient to determine the role of this variant in disease. Therefore, it has been classified as a Variant of Uncertain Significance.

NM_013254.4(TBK1):c.1219G>C (p.Asp407His)

Gene: TBK1 (TANK binding kinase 1; plus strand). Cytogenetic location: 12q14.2.
Variant type: single nucleotide variant.
Coding change: c.1219G>C on transcript NM_013254.4 (MANE Select); coding-DNA position 1219, G replaced by C.
Protein change: p.Asp407His; replaces aspartic acid 407 with histidine.
Molecular consequence: missense variant.
Genome position (GRCh38, 1-based): chr12:64,485,484, G>C. VCF-style: chr12-64485484-G-C. GRCh37 (hg19) VCF-style: chr12-64879264-G-C.
Other names: short protein forms D407H.
Identifiers: ClinVar variation 2032282 (VCV002032282.4), dbSNP rs1213014218, ClinGen allele CA385600748.
Genomic context (GRCh38, chr12:64,485,484, plus strand): 5'-CTTTCTCATTTTATTTTACTTCATATTTCAGTTTCCCTCCCTAAAGTACATCCACGTTAT[G>C]ATTTAGACGGGGATGCTAGCATGGCTAAGGTTAGTATTTAATTTAATTACTATGTAAACA-3'
Protein context (NP_037386.1, residues 397-417): ISLPKVHPRY[Asp407His]LDGDASMAKA